The following is an entry in ClinVar:

ClinVar aggregate classification (germline): Uncertain significance (1 of 4 stars; one submission).

Conditions:
Hereditary cancer-predisposing syndrome. Also called: Neoplastic Syndromes, Hereditary; Tumor predisposition; Hereditary neoplastic syndrome; Hereditary Cancer Syndrome. Identifiers: Orphanet 140162, MedGen C0027672, MeSH D009386, MONDO:0015356.

Submission:

Ambry Genetics
Classification: Uncertain significance for Hereditary cancer-predisposing syndrome. Last evaluated: 2026-09-01. Review status: criteria provided, single submitter. Criteria: Ambry Variant Classification Scheme 2023. Collection method: clinical testing. Allele origin: germline.
Comment: The p.P1603Q variant (also known as c.4808C>A), located in coding exon 15 of the APC gene, results from a C to A substitution at nucleotide position 4808. The proline at codon 1603 is replaced by glutamine, an amino acid with similar properties. This amino acid position is conserved. In addition, in silico predictors for this gene do not accurately predict pathogenicity. Based on the available evidence, the clinical significance of this variant remains unclear.

NM_000038.6(APC):c.4808C>A (p.Pro1603Gln)

Gene: APC (APC regulator of Wnt signaling pathway; plus strand). Cytogenetic location: 5q22.2.
Variant type: single nucleotide variant.
Coding change: c.4808C>A on transcript NM_000038.6 (MANE Select); coding-DNA position 4808, C replaced by A.
Protein change: p.Pro1603Gln; replaces proline 1603 with glutamine.
Molecular consequence: missense variant. On other transcripts: non-coding transcript variant (2).
Genome position (GRCh38, 1-based): chr5:112,840,402, C>A. VCF-style: chr5-112840402-C-A. GRCh37 (hg19) VCF-style: chr5-112176099-C-A.
Other names: c.4505C>A, p.Pro1502Gln (NM_001407460.1, NM_001354903.2, NM_001407458.1 and 1 more transcripts); c.4421C>A, p.Pro1474Gln (NM_001407467.1, NM_001407469.1); c.3959C>A, p.Pro1320Gln (NM_001407470.1, NM_001354906.2); c.3656C>A, p.Pro1219Gln (NM_001407471.1, NM_001407472.1); c.4808C>A, p.Pro1603Gln (NM_001127510.3, NM_001354895.2, NM_001407450.1); c.4754C>A, p.Pro1585Gln (NM_001127511.3); c.4862C>A, p.Pro1621Gln (NM_001354896.2, NM_001407447.1, NM_001407448.1 and 1 more transcripts); c.4838C>A, p.Pro1613Gln (NM_001354897.2); and 11 more; short protein forms P1512Q, P1544Q, P1593Q, P1603Q, P1621Q, P1474Q, P1585Q, P1631Q.
Identifiers: ClinVar variation 5026063 (VCV005026063.1).